The following is an entry in ClinVar:

NM_032581.4(HYCC1):c.414+1G>A

Gene: HYCC1 (hyccin PI4KA lipid kinase complex subunit 1; minus strand). Cytogenetic location: 7p15.3.
Variant type: single nucleotide variant.
Coding change: c.414+1G>A on transcript NM_032581.4 (MANE Select); the canonical splice donor site of the intron after coding-DNA position 414, G replaced by A.
Molecular consequence: splice donor variant.
Genome position (GRCh38, 1-based): chr7:22,977,340, C>T on the plus strand (G>A on the coding strand, the complement: HYCC1 is on the minus strand). VCF-style: chr7-22977340-C-T. GRCh37 (hg19) VCF-style: chr7-23016959-C-T.
Other names: c.414+1G>A (NM_001363467.2, NM_001363466.2).
Identifiers: ClinVar variation 1458225 (VCV001458225.6), dbSNP rs72549406, ClinGen allele CA366976033.

ClinVar aggregate classification (germline): Pathogenic (1 of 4 stars; one submission).

Conditions:
Hypomyelination and Congenital Cataract (HLD5). Also called: hypomyelinating leukodystrophy 5. Identifiers: Orphanet 85163, MedGen C1864663, MONDO:0012514, OMIM 610532.

gnomAD v4.1: 1 of 1,552,516 alleles (0.000064%); highest among the groups gnomAD compares: Non-Finnish European, 0.000089%; no homozygotes.

Submission:

Labcorp Genetics (formerly Invitae), Labcorp
Classification: Pathogenic for Hypomyelination and Congenital Cataract. Last evaluated: 2024-08-05. Review status: criteria provided, single submitter. Criteria: Invitae Variant Classification Sherloc (09022015). Collection method: clinical testing. Allele origin: germline.
Comment: This sequence change affects a donor splice site in intron 5 of the FAM126A gene. It is expected to disrupt RNA splicing. Variants that disrupt the donor or acceptor splice site typically lead to a loss of protein function (PMID: 16199547), and loss-of-function variants in FAM126A are known to be pathogenic (PMID: 21911699, 22749724, 23998934). This variant is not present in population databases (gnomAD no frequency). Disruption of this splice site has been observed in individual(s) with hypomyelination and congenital cataract (PMID: 16951682, 21911699). It has also been observed to segregate with disease in related individuals. ClinVar contains an entry for this variant (Variation ID: 1458225). Algorithms developed to predict the effect of sequence changes on RNA splicing suggest that this variant may disrupt the consensus splice site. For these reasons, this variant has been classified as Pathogenic.

Literature cited by the submitters: PubMed 16199547; PubMed 21911699; PubMed 22749724; PubMed 23998934; PubMed 16951682.